The following is an entry in ClinVar:

NM_016188.5(ACTL6B):c.554T>C (p.Leu185Pro)

Gene: ACTL6B (actin like 6B; minus strand). Cytogenetic location: 7q22.1.
Variant type: single nucleotide variant.
Coding change: c.554T>C on transcript NM_016188.5 (MANE Select); coding-DNA position 554, T replaced by C.
Protein change: p.Leu185Pro; replaces leucine 185 with proline.
Molecular consequence: missense variant. On other transcripts: non-coding transcript variant (1).
Genome position (GRCh38, 1-based): chr7:100,648,737, A>G on the plus strand (T>C on the coding strand, the complement: ACTL6B is on the minus strand). VCF-style: chr7-100648737-A-G. GRCh37 (hg19) VCF-style: chr7-100246360-A-G.
Other names: short protein forms L185P.
Identifiers: ClinVar variation 1702533 (VCV001702533.2), dbSNP rs2131334839, ClinGen allele CA368545478.

ClinVar aggregate classification (germline): Likely pathogenic (1 of 4 stars; one submission).

Conditions:
Intellectual developmental disorder with severe speech and ambulation defects. Identifiers: MedGen C5193115, MONDO:0032770, OMIM 618470.

Allele frequency attached by ClinVar (database versions not stated): gnomAD exomes below 0.00001.

Submission:

Laboratory of genome editing, Research Centre for Medical Genetics
Classification: Likely pathogenic for Intellectual developmental disorder with severe speech and ambulation defects. Last evaluated: 2022-07-15. Review status: criteria provided, single submitter. Criteria: ACMG Guidelines, 2015. Collection method: clinical testing. Allele origin: biparental. Inheritance: Autosomal recessive inheritance. Affected: yes. Observed: 1 homozygote.
Comment: The p.Leu185Pro variant was detected in the homozygous state in siblings with developmental delay, epileptic encephalopathy, and spasticity and was absent in population. Pathogenicity predictors consider the variant to be deleterious. Z-score for missens variants in ACTL6B is hight (3.27). In summary, variant meets our criteria to be classified as likely pathogenic (PM2, PP1(M), PP2, PP3).

Literature cited by the submitters: PubMed 35887114.